The following is an entry in ClinVar:

NM_000160.5(GCGR):c.810C>T (p.Ile270=)

Gene: GCGR (glucagon receptor; plus strand). Cytogenetic location: 17q25.3.
Variant type: single nucleotide variant.
Coding change: c.810C>T on transcript NM_000160.5 (MANE Select); coding-DNA position 810, C replaced by T.
Protein change: p.Ile270=; no amino-acid change (isoleucine 270 retained).
Molecular consequence: synonymous variant.
Genome position (GRCh38, 1-based): chr17:81,811,803, C>T. VCF-style: chr17-81811803-C-T. GRCh37 (hg19) VCF-style: chr17-79769679-C-T.
Identifiers: ClinVar variation 1539654 (VCV001539654.31), dbSNP rs368152053, ClinGen allele CA8842124.

ClinVar aggregate classification (germline): Benign/Likely benign. Review status: criteria provided, multiple submitters, no conflicts (2 of 4 stars). 2 submissions from 2 submitters: Benign (1); Likely benign (1). Last evaluated 2025-10-20.

Allele frequency attached by ClinVar (database versions not stated): 1000 Genomes Project 30x 0.00016; gnomAD 0.00123 and 0.00126; ESP Exome Variant Server 0.00131; TOPMed 0.00139; gnomAD exomes 0.00185 and 0.00190; ExAC 0.00194.
gnomAD v4.1: 2,779 of 1,537,198 alleles (0.18%); highest among the groups gnomAD compares: Non-Finnish European, 0.19%; 4 homozygotes.

Submissions (2):

Labcorp Genetics (formerly Invitae), Labcorp
Classification: Benign. Last evaluated: 2025-10-20. Review status: criteria provided, single submitter. Criteria: Invitae Variant Classification Sherloc (09022015). Collection method: clinical testing. Allele origin: germline.

CeGaT Center for Human Genetics Tuebingen
Classification: Likely benign. Last evaluated: 2023-04-01. Review status: criteria provided, single submitter. Criteria: CeGaT Center For Human Genetics Tuebingen Variant Classification Criteria Version 2. Collection method: clinical testing. Allele origin: germline. Affected: yes. Observed: 2 variant alleles.
Comment: GCGR: BP4, BP7